The following is an entry in ClinVar:

NM_001374353.1(GLI2):c.2933C>G (p.Pro978Arg)

Gene: GLI2 (GLI family zinc finger 2; plus strand). Cytogenetic location: 2q14.2.
Variant type: single nucleotide variant.
Coding change: c.2933C>G on transcript NM_001374353.1 (MANE Select); coding-DNA position 2933, C replaced by G.
Protein change: p.Pro978Arg; replaces proline 978 with arginine.
Molecular consequence: missense variant.
Genome position (GRCh38, 1-based): chr2:120,988,898, C>G. VCF-style: chr2-120988898-C-G. GRCh37 (hg19) VCF-style: chr2-121746474-C-G.
Other names: c.2984C>G, p.Pro995Arg (NM_001371271.1, NM_005270.5); c.2558C>G, p.Pro853Arg (NM_001374354.1); short protein forms P978R, P853R, P995R.
Identifiers: ClinVar variation 2925956 (VCV002925956.3), dbSNP rs1683125629, ClinGen allele CA348170705.
Genomic context (GRCh38, chr2:120,988,898, plus strand): 5'-GGCCCGATGCCCTGTCCCTGCCGCGGGTGCAGCGCTTCCACAGCACCCACAACGTGAACC[C>G]CGGCCCGCTGCCGCCCTGTGCCGACAGGCGAGGCCTCCGCCTGCAGAGCCACCCGAGCAC-3'
Protein context (NP_001361282.1, residues 968-988): QRFHSTHNVN[Pro978Arg]GPLPPCADRR

ClinVar aggregate classification (germline): Uncertain significance (1 of 4 stars; one submission).

Conditions:
Postaxial polydactyly-anterior pituitary anomalies-facial dysmorphism syndrome. Also called: Culler-Jones syndrome. Identifiers: Orphanet 420584, MedGen C4014479, MONDO:0014369, OMIM 615849.
Holoprosencephaly 9 (HPE9). Also called: PITUITARY ANOMALIES WITH HOLOPROSENCEPHALY-LIKE FEATURES; HOLOPROSENCEPHALY WITH MICROPHTHALMIA AND FIRST BRANCHIAL ARCH ANOMALIES. Identifiers: Orphanet 2162, MedGen C1835819, MONDO:0012563, OMIM 610829.

Submission:

Labcorp Genetics (formerly Invitae), Labcorp
Classification: Uncertain significance for Postaxial polydactyly-anterior pituitary anomalies-facial dysmorphism syndrome; Holoprosencephaly 9. Last evaluated: 2025-08-04. Review status: criteria provided, single submitter. Criteria: Invitae Variant Classification Sherloc (09022015). Collection method: clinical testing. Allele origin: germline.
Comment: This sequence change replaces proline, which is neutral and non-polar, with arginine, which is basic and polar, at codon 995 of the GLI2 protein (p.Pro995Arg). This variant is not present in population databases (gnomAD no frequency). This variant has not been reported in the literature in individuals affected with GLI2-related conditions. ClinVar contains an entry for this variant (Variation ID: 2925956). Invitae Evidence Modeling of protein sequence and biophysical properties (such as structural, functional, and spatial information, amino acid conservation, physicochemical variation, residue mobility, and thermodynamic stability) has been performed for this missense variant. However, the output from this modeling did not meet the statistical confidence thresholds required to predict the impact of this variant on GLI2 protein function. In summary, the available evidence is currently insufficient to determine the role of this variant in disease. Therefore, it has been classified as a Variant of Uncertain Significance.